The following is an entry in ClinVar:

NM_001377334.1(PIK3C2B):c.1126G>A (p.Val376Ile)

Gene: PIK3C2B (phosphatidylinositol-4-phosphate 3-kinase catalytic subunit type 2 beta; minus strand). Cytogenetic location: 1q32.1.
Variant type: single nucleotide variant.
Coding change: c.1126G>A on transcript NM_001377334.1 (MANE Select); coding-DNA position 1126, G replaced by A.
Protein change: p.Val376Ile; replaces valine 376 with isoleucine.
Molecular consequence: missense variant.
Genome position (GRCh38, 1-based): chr1:204,464,513, C>T on the plus strand (G>A on the coding strand, the complement: PIK3C2B is on the minus strand). VCF-style: chr1-204464513-C-T. GRCh37 (hg19) VCF-style: chr1-204433641-C-T.
Other names: c.1126G>A, p.Val376Ile (NM_001377335.1, NM_002646.4); short protein forms V376I.
Identifiers: ClinVar variation 3345224 (VCV003345224.1).

ClinVar aggregate classification (germline): Uncertain significance (0 of 4 stars; one submission).

Conditions:
PIK3C2B-related disorder. Also called: PIK3C2B-related condition.

Submission:

PreventionGenetics, part of Exact Sciences
Classification: Uncertain significance for PIK3C2B-related condition. Last evaluated: 2024-09-18. Review status: no assertion criteria provided. Collection method: clinical testing. Allele origin: germline.
Comment: The PIK3C2B c.1126G>A variant is predicted to result in the amino acid substitution p.Val376Ile. To our knowledge, this variant has not been reported in the literature or in a large population database, indicating this variant is rare. At this time, the clinical significance of this variant is uncertain due to the absence of conclusive functional and genetic evidence.